The following is an entry in ClinVar:

ClinVar aggregate classification (germline): Uncertain significance (1 of 4 stars; one submission).

Conditions:
Polycystic kidney disease, adult type (PKD1). Also called: POLYCYSTIC KIDNEY DISEASE, ADULT, TYPE I; Polycystic Kidney Disease 1, Autosomal Dominant; Polycystic kidney disease 1; Polycystic kidney disease 1, severe; Polycystic Kidney, Autosomal Dominant; POLYCYSTIC KIDNEY DISEASE 1 WITH OR WITHOUT POLYCYSTIC LIVER DISEASE. Identifiers: MedGen C3149841, MONDO:0008263, OMIM 173900.

Submission:

Juno Genomics, Hangzhou Juno Genomics, Inc
Classification: Uncertain significance for Polycystic kidney disease, adult type. Review status: criteria provided, single submitter. Criteria: ACMG Guidelines, 2015. Collection method: clinical testing. Allele origin: germline. Affected: yes.
Comment: Absent from controls (or at extremely low frequency if recessive) in Genome Aggregation Database, Exome Sequencing Project, 1000 Genomes Project, or Exome Aggregation Consortium.;Patient's phenotype or family history is highly specific for a disease with a single genetic etiology.

NM_001009944.3(PKD1):c.12464T>G (p.Phe4155Cys)

Gene: PKD1 (polycystin 1, transient receptor potential channel interacting; minus strand). Cytogenetic location: 16p13.3.
Variant type: single nucleotide variant.
Coding change: c.12464T>G on transcript NM_001009944.3 (MANE Select); coding-DNA position 12464, T replaced by G.
Protein change: p.Phe4155Cys; replaces phenylalanine 4155 with cysteine.
Molecular consequence: missense variant.
Genome position (GRCh38, 1-based): chr16:2,090,175, A>C on the plus strand (T>G on the coding strand, the complement: PKD1 is on the minus strand). VCF-style: chr16-2090175-A-C. GRCh37 (hg19) VCF-style: chr16-2140176-A-C.
Other names: c.12461T>G, p.Phe4154Cys (NM_000296.4); short protein forms F4154C, F4155C.
Identifiers: ClinVar variation 3382150 (VCV003382150.2).